The following is an entry in ClinVar:

NM_181507.2(HPS5):c.1096A>T (p.Arg366Ter)

Gene: HPS5 (HPS5 biogenesis of lysosomal organelles complex 2 subunit 2; minus strand). Cytogenetic location: 11p15.1.
Variant type: single nucleotide variant.
Coding change: c.1096A>T on transcript NM_181507.2 (MANE Select); coding-DNA position 1096, A replaced by T.
Protein change: p.Arg366Ter; replaces arginine 366 with a stop codon.
Molecular consequence: nonsense.
Genome position (GRCh38, 1-based): chr11:18,298,860, T>A on the plus strand (A>T on the coding strand, the complement: HPS5 is on the minus strand). VCF-style: chr11-18298860-T-A. GRCh37 (hg19) VCF-style: chr11-18320407-T-A.
Other names: c.754A>T, p.Arg252Ter (NM_007216.4, NM_181508.2); short protein forms R366*, R252*.
Identifiers: ClinVar variation 2801938 (VCV002801938.3), dbSNP rs1010724201, ClinGen allele CA218543806.

ClinVar aggregate classification (germline): Pathogenic (1 of 4 stars; one submission).

Allele frequency attached by ClinVar (database versions not stated): gnomAD 0.00001; TOPMed 0.00001.
gnomAD v4.1: 1 of 1,614,086 alleles (0.000062%); highest among the groups gnomAD compares: African/African-American, 0.0013%; no homozygotes.

Submission:

Labcorp Genetics (formerly Invitae), Labcorp
Classification: Pathogenic. Last evaluated: 2023-09-21. Review status: criteria provided, single submitter. Criteria: Invitae Variant Classification Sherloc (09022015). Collection method: clinical testing. Allele origin: germline.
Comment: This sequence change creates a premature translational stop signal (p.Arg366*) in the HPS5 gene. It is expected to result in an absent or disrupted protein product. Loss-of-function variants in HPS5 are known to be pathogenic (PMID: 12548288, 15296495, 21833017, 26785811). This variant is not present in population databases (gnomAD no frequency). For these reasons, this variant has been classified as Pathogenic. This variant has not been reported in the literature in individuals affected with HPS5-related conditions.

Literature cited by the submitters: PubMed 12548288; PubMed 15296495; PubMed 21833017; PubMed 26785811.